The following is an entry in ClinVar:

NM_020708.5(SLC12A5):c.2303_2320dup (p.Val773_Gly774insAspAsnThrValLeuVal)

Gene: SLC12A5 (solute carrier family 12 member 5; plus strand). Cytogenetic location: 20q13.12.
Variant type: Duplication.
Coding change: c.2303_2320dup on transcript NM_020708.5 (MANE Select); coding-DNA positions 2303 to 2320, 18 bases duplicated (ACAACACTGTGCTTGTTG).
Protein change: p.Val773_Gly774insAspAsnThrValLeuVal.
Molecular consequence: inframe insertion.
Genome position (GRCh38, 1-based): chr20:46,051,796-46,051,813, ACAACACTGTGCTTGTTG duplicated. VCF-style (leftmost placement, unchanged base first): chr20-46051795-C-CACAACACTGTGCTTGTTG. GRCh37 (hg19) VCF-style: chr20-44680434-C-CACAACACTGTGCTTGTTG.
Other names: c.2372_2389dup, p.Val796_Gly797insAspAsnThrValLeuVal (NM_001134771.2).
Identifiers: ClinVar variation 4281790 (VCV004281790.1).

ClinVar aggregate classification (germline): Uncertain significance (1 of 4 stars; one submission).

Submission:

GeneDx
Classification: Uncertain significance. Last evaluated: 2025-04-09. Review status: criteria provided, single submitter. Criteria: GeneDx Variant Classification Process June 2021. Collection method: clinical testing. Allele origin: germline. Affected: yes.
Comment: Not observed at significant frequency in large population cohorts (gnomAD); In-frame insertion of 6 amino acid(s) in a non-repeat region; Has not been previously published as pathogenic or benign to our knowledge